The following is an entry in ClinVar:

ClinVar aggregate classification (germline): Uncertain significance (1 of 4 stars; one submission).

Submission:

Labcorp Genetics (formerly Invitae), Labcorp
Classification: Uncertain significance. Last evaluated: 2022-09-02. Review status: criteria provided, single submitter. Criteria: Invitae Variant Classification Sherloc (09022015). Collection method: clinical testing. Allele origin: germline.
Comment: This sequence change replaces glycine, which is neutral and non-polar, with arginine, which is basic and polar, at codon 313 of the POLA1 protein (p.Gly313Arg). In summary, the available evidence is currently insufficient to determine the role of this variant in disease. Therefore, it has been classified as a Variant of Uncertain Significance. Algorithms developed to predict the effect of missense changes on protein structure and function (SIFT, PolyPhen-2, Align-GVGD) all suggest that this variant is likely to be tolerated. This variant has not been reported in the literature in individuals affected with POLA1-related conditions. This variant is not present in population databases (gnomAD no frequency).

NM_001330360.2(POLA1):c.955G>C (p.Gly319Arg)

Gene: POLA1 (DNA polymerase alpha 1, catalytic subunit; plus strand). Cytogenetic location: Xp22.11.
Variant type: single nucleotide variant.
Coding change: c.955G>C on transcript NM_001330360.2 (MANE Select); coding-DNA position 955, G replaced by C.
Protein change: p.Gly319Arg; replaces glycine 319 with arginine.
Molecular consequence: missense variant. On other transcripts: non-coding transcript variant (2).
Genome position (GRCh38, 1-based): chrX:24,717,626, G>C. VCF-style: chrX-24717626-G-C. GRCh37 (hg19) VCF-style: chrX-24735743-G-C.
Other names: c.955G>C, p.Gly319Arg (NM_001378303.1); c.937G>C, p.Gly313Arg (NM_016937.4); short protein forms G313R, G319R.
Identifiers: ClinVar variation 1718687 (VCV001718687.5), dbSNP rs2518764868, ClinGen allele CA412530894.